The following is an entry in ClinVar:

NM_001127649.3(PEX26):c.281C>G (p.Ala94Gly)

Gene: PEX26 (peroxisomal biogenesis factor 26; plus strand). Cytogenetic location: 22q11.21.
Variant type: single nucleotide variant.
Coding change: c.281C>G on transcript NM_001127649.3 (MANE Select); coding-DNA position 281, C replaced by G.
Protein change: p.Ala94Gly; replaces alanine 94 with glycine.
Molecular consequence: missense variant.
Genome position (GRCh38, 1-based): chr22:18,079,924, C>G. VCF-style: chr22-18079924-C-G. GRCh37 (hg19) VCF-style: chr22-18562690-C-G.
Other names: c.281C>G, p.Ala94Gly (NM_001199319.2, NM_017929.6); short protein forms A94G.
Identifiers: ClinVar variation 1427269 (VCV001427269.4), dbSNP rs761216250, ClinGen allele CA10093280.

ClinVar aggregate classification (germline): Uncertain significance (1 of 4 stars; one submission).

Conditions:
Peroxisome biogenesis disorder 7A (Zellweger). Also called: Peroxisome biogenesis disorder 7A. Identifiers: Orphanet 912, MedGen C3888385, MONDO:0013938, OMIM 614872.
Peroxisome biogenesis disorder 7B (PBD7B). Identifiers: Orphanet 44, MedGen C3553951, MONDO:0013939, OMIM 614873.

Allele frequency attached by ClinVar (database versions not stated): gnomAD 0.00001; TOPMed 0.00002.
gnomAD v4.1: 47 of 1,613,930 alleles (0.0029%); highest among the groups gnomAD compares: Non-Finnish European, 0.0039%; no homozygotes.

Submission:

Labcorp Genetics (formerly Invitae), Labcorp
Classification: Uncertain significance for Peroxisome biogenesis disorder 7A (Zellweger); Peroxisome biogenesis disorder 7B. Last evaluated: 2024-10-30. Review status: criteria provided, single submitter. Criteria: Invitae Variant Classification Sherloc (09022015). Collection method: clinical testing. Allele origin: germline.
Comment: This sequence change replaces alanine, which is neutral and non-polar, with glycine, which is neutral and non-polar, at codon 94 of the PEX26 protein (p.Ala94Gly). This variant is present in population databases (rs761216250, gnomAD 0.002%). This variant has not been reported in the literature in individuals affected with PEX26-related conditions. ClinVar contains an entry for this variant (Variation ID: 1427269). Invitae Evidence Modeling of protein sequence and biophysical properties (such as structural, functional, and spatial information, amino acid conservation, physicochemical variation, residue mobility, and thermodynamic stability) has been performed for this missense variant. However, the output from this modeling did not meet the statistical confidence thresholds required to predict the impact of this variant on PEX26 protein function. In summary, the available evidence is currently insufficient to determine the role of this variant in disease. Therefore, it has been classified as a Variant of Uncertain Significance.